The following is an entry in ClinVar:

ClinVar aggregate classification (germline): Uncertain significance (1 of 4 stars; one submission).

Conditions:
Catecholaminergic polymorphic ventricular tachycardia 1. Also called: RYR2-Related Catecholaminergic Polymorphic Ventricular Tachycardia; VENTRICULAR TACHYCARDIA, STRESS-INDUCED POLYMORPHIC 1; VENTRICULAR TACHYCARDIA, CATECHOLAMINERGIC POLYMORPHIC, 1, WITH OR WITHOUT ATRIAL DYSFUNCTION AND/OR DILATED CARDIOMYOPATHY. Identifiers: Orphanet 3286, MedGen C1631597, MONDO:0011484, OMIM 604772.

Submission:

Labcorp Genetics (formerly Invitae), Labcorp
Classification: Uncertain significance for Catecholaminergic polymorphic ventricular tachycardia 1. Last evaluated: 2018-08-26. Review status: criteria provided, single submitter. Criteria: Invitae Variant Classification Sherloc (09022015). Collection method: clinical testing. Allele origin: germline.
Comment: In summary, the available evidence is currently insufficient to determine the role of this variant in disease. Therefore, it has been classified as a Variant of Uncertain Significance. Algorithms developed to predict the effect of sequence changes on RNA splicing suggest that this variant may create or strengthen a splice site, but this prediction has not been confirmed by published transcriptional studies. Algorithms developed to predict the effect of missense changes on protein structure and function (SIFT, PolyPhen-2, Align-GVGD) all suggest that this variant is likely to be disruptive, but these predictions have not been confirmed by published functional studies and their clinical significance is uncertain. This variant has not been reported in the literature in individuals with RYR2-related disease. This variant is not present in population databases (ExAC no frequency). This sequence change replaces glycine with valine at codon 4134 of the RYR2 protein (p.Gly4134Val). The glycine residue is highly conserved and there is a moderate physicochemical difference between glycine and valine.

NM_001035.3(RYR2):c.12401G>T (p.Gly4134Val)

Genes: RYR2 (ryanodine receptor 2; plus strand), LOC126806068 (BRD4-independent group 4 enhancer GRCh37_chr1:237947411-237948610; plus strand). Cytogenetic location: 1q43.
Variant type: single nucleotide variant.
Coding change: c.12401G>T on transcript NM_001035.3 (MANE Select); coding-DNA position 12401, G replaced by T.
Protein change: p.Gly4134Val; replaces glycine 4134 with valine.
Molecular consequence: missense variant.
Genome position (GRCh38, 1-based): chr1:237,784,113, G>T. VCF-style: chr1-237784113-G-T. GRCh37 (hg19) VCF-style: chr1-237947413-G-T.
Other names: c.12401G>T, p.Gly4134Val (LRG_402t1); short protein forms G4134V.
Identifiers: ClinVar variation 645165 (VCV000645165.10), dbSNP rs1573934290, ClinGen allele CA345413140.